The following is an entry in ClinVar:

NM_001609.4(ACADSB):c.376G>C (p.Glu126Gln)

Gene: ACADSB (acyl-CoA dehydrogenase short/branched chain; plus strand). Cytogenetic location: 10q26.13.
Variant type: single nucleotide variant.
Coding change: c.376G>C on transcript NM_001609.4 (MANE Select); coding-DNA position 376, G replaced by C.
Protein change: p.Glu126Gln; replaces glutamic acid 126 with glutamine.
Molecular consequence: missense variant.
Genome position (GRCh38, 1-based): chr10:123,040,538, G>C. VCF-style: chr10-123040538-G-C. GRCh37 (hg19) VCF-style: chr10-124800054-G-C.
Other names: c.70G>C, p.Glu24Gln (NM_001330174.3); short protein forms E126Q, E24Q.
Identifiers: ClinVar variation 2635298 (VCV002635298.1), dbSNP rs2493648887, ClinGen allele CA378617853.

ClinVar aggregate classification (germline): Uncertain significance (1 of 4 stars; one submission).

Conditions:
ACADSB-related disorder. Also called: ACADSB-related condition.

Submission:

PreventionGenetics, part of Exact Sciences
Classification: Uncertain significance for ACADSB-related condition. Last evaluated: 2022-12-01. Review status: criteria provided, single submitter. Criteria: ACMG Guidelines, 2015. Collection method: clinical testing. Allele origin: germline.
Comment: The ACADSB c.376G>C variant is predicted to result in the amino acid substitution p.Glu126Gln. To our knowledge, this variant has not been reported in the literature or in a large population database, indicating this variant is rare. At this time, the clinical significance of this variant is uncertain due to the absence of conclusive functional and genetic evidence.